The following is an entry in ClinVar:

ClinVar aggregate classification (germline): Uncertain significance. Review status: criteria provided, multiple submitters, no conflicts (2 of 4 stars). 2 submissions from 2 submitters: Uncertain significance (2). Last evaluated 2025-08-04.

Conditions:
Candidiasis, familial, 9 (CANDF9). Identifiers: Orphanet 1334, MedGen C4225324, MONDO:0014642, OMIM 616445.

Allele frequency attached by ClinVar (database versions not stated): gnomAD 0.00001 and 0.00005; ExAC 0.00002; gnomAD exomes 0.00002; TOPMed 0.00002; 1000 Genomes Project 30x 0.00031; 1000 Genomes Project 0.00040.
gnomAD v4.1: 152 of 1,607,638 alleles (0.0095%); highest among the groups gnomAD compares: East Asian, 0.34%; no homozygotes.

Submissions (2):

Ambry Genetics
Classification: Uncertain significance. Last evaluated: 2025-08-04. Review status: criteria provided, single submitter. Criteria: Ambry Variant Classification Scheme 2023. Collection method: clinical testing. Allele origin: germline.

Labcorp Genetics (formerly Invitae), Labcorp
Classification: Uncertain significance for Candidiasis, familial, 9. Last evaluated: 2024-10-16. Review status: criteria provided, single submitter. Criteria: Invitae Variant Classification Sherloc (09022015). Collection method: clinical testing. Allele origin: germline.
Comment: This sequence change replaces valine, which is neutral and non-polar, with leucine, which is neutral and non-polar, at codon 668 of the IL17RC protein (p.Val668Leu). The frequency data for this variant in the population databases is considered unreliable, as metrics indicate poor data quality at this position in the gnomAD database. This variant has not been reported in the literature in individuals affected with IL17RC-related conditions. ClinVar contains an entry for this variant (Variation ID: 1377073). An algorithm developed to predict the effect of missense changes on protein structure and function (PolyPhen-2) suggests that this variant is likely to be tolerated. In summary, the available evidence is currently insufficient to determine the role of this variant in disease. Therefore, it has been classified as a Variant of Uncertain Significance.

NM_153460.4(IL17RC):c.1789G>T (p.Val597Leu)

Gene: IL17RC (interleukin 17 receptor C; plus strand). Cytogenetic location: 3p25.3.
Variant type: single nucleotide variant.
Coding change: c.1789G>T on transcript NM_153460.4 (MANE Select); coding-DNA position 1789, G replaced by T.
Protein change: p.Val597Leu; replaces valine 597 with leucine.
Molecular consequence: missense variant. On other transcripts: non-coding transcript variant (1).
Genome position (GRCh38, 1-based): chr3:9,933,219, G>T. VCF-style: chr3-9933219-G-T. GRCh37 (hg19) VCF-style: chr3-9974903-G-T.
Other names: c.2002G>T (NM_153461.3); c.1750G>T, p.Val584Leu (NM_001203263.2); c.1699G>T, p.Val567Leu (NM_001203264.2); c.1693G>T, p.Val565Leu (NM_001203265.2); c.1711G>T, p.Val571Leu (NM_001367278.1); c.1630G>T, p.Val544Leu (NM_001367279.1); c.1705G>T, p.Val569Leu (NM_001367280.1); c.1744G>T, p.Val582Leu (NM_032732.6); and 1 more; short protein forms V544L, V567L, V584L, V565L, V582L, V569L, V571L, V597L.
Identifiers: ClinVar variation 1377073 (VCV001377073.7), dbSNP rs200531119, ClinGen allele CA2247408.
Genomic context (GRCh38, chr3:9,933,219, plus strand): 5'-GTGGTCTTGCTCTTCTCTCCCGGTGCGGTGGCGCTGTGCAGCGAGTGGCTACAGGATGGG[G>T]TGTCCGGGCCCGGGGCGCACGGCCCGCACGACGCCTTCCGCGCCTCGCTCAGCTGCGTGC-3'
Protein context (NP_703190.2, residues 587-607): ALCSEWLQDG[Val597Leu]SGPGAHGPHD